The following is an entry in ClinVar:

NM_003119.4(SPG7):c.1599G>A (p.Ala533=)

Gene: SPG7 (SPG7 matrix AAA peptidase subunit, paraplegin; plus strand). Cytogenetic location: 16q24.3.
Variant type: single nucleotide variant.
Coding change: c.1599G>A on transcript NM_003119.4 (MANE Select); coding-DNA position 1599, G replaced by A.
Protein change: p.Ala533=; no amino-acid change (alanine 533 retained).
Molecular consequence: synonymous variant.
Genome position (GRCh38, 1-based): chr16:89,548,049, G>A. VCF-style: chr16-89548049-G-A. GRCh37 (hg19) VCF-style: chr16-89614457-G-A.
Other names: c.1599G>A, p.Ala533= (NM_001363850.1).
Identifiers: ClinVar variation 808161 (VCV000808161.50), dbSNP rs561746823, ClinGen allele CA8244276.
Genomic context (GRCh38, chr16:89,548,049, plus strand): 5'-GTTTGTGTTGACAGGGGCTGACATCGCCAACATCTGCAATGAGGCTGCGCTGCACGCGGC[G>A]CGGGAGGGACACACTTCCGTGCACACTCTCAACTTCGAGTACGCCGTGGAGCGCGTCCTC-3'
Protein context (NP_003110.1, residues 523-543): NICNEAALHA[Ala533=]REGHTSVHTL

ClinVar aggregate classification (germline): Likely benign. Review status: criteria provided, multiple submitters, no conflicts (2 of 4 stars). 3 submissions from 3 submitters: Likely benign (3). Last evaluated 2025-08-01.

Conditions:
Hereditary spastic paraplegia 7 (SPG7). Also called: Autosomal recessive spastic paraplegia type 7; SPASTIC PARAPLEGIA 7, AUTOSOMAL RECESSIVE, WITH OR WITHOUT CEREBELLAR ATAXIA; SPG7-related neurologic disorder; Spastic paraplegia 7; Hereditary spastic paraplegia Paraplegin type. Identifiers: Orphanet 99013, MedGen C1846564, MONDO:0011803, OMIM 607259.

Allele frequency attached by ClinVar (database versions not stated): ExAC 0.00002; gnomAD 0.00002 and 0.00003; gnomAD exomes 0.00002; TOPMed 0.00002.
gnomAD v4.1: 29 of 1,611,768 alleles (0.0018%); highest among the groups gnomAD compares: East Asian, 0.011%; no homozygotes.

Submissions (3):

CeGaT Center for Human Genetics Tuebingen
Classification: Likely benign. Last evaluated: 2025-08-01. Review status: criteria provided, single submitter. Criteria: CeGaT Center For Human Genetics Tuebingen Variant Classification Criteria Version 2. Collection method: clinical testing. Allele origin: germline. Affected: yes. Observed: 2 variant alleles.
Comment: SPG7: BP4, BP7

Labcorp Genetics (formerly Invitae), Labcorp
Classification: Likely benign for Hereditary spastic paraplegia 7. Last evaluated: 2024-10-17. Review status: criteria provided, single submitter. Criteria: Invitae Variant Classification Sherloc (09022015). Collection method: clinical testing. Allele origin: germline.

Athena Diagnostics
Classification: Likely benign. Last evaluated: 2021-02-15. Review status: criteria provided, single submitter. Criteria: Athena Diagnostics criteria. Collection method: clinical testing. Allele origin: unknown.